The following is an entry in ClinVar:

ClinVar aggregate classification (germline): Uncertain significance (1 of 4 stars; one submission).

Submission:

Labcorp Genetics (formerly Invitae), Labcorp
Classification: Uncertain significance. Last evaluated: 2021-06-07. Review status: criteria provided, single submitter. Criteria: Invitae Variant Classification Sherloc (09022015). Collection method: clinical testing. Allele origin: germline.
Comment: Algorithms developed to predict the effect of missense changes on protein structure and function (SIFT, PolyPhen-2, Align-GVGD) all suggest that this variant is likely to be tolerated, but these predictions have not been confirmed by published functional studies and their clinical significance is uncertain. This variant has not been reported in the literature in individuals with CCDC88A-related conditions. In summary, the available evidence is currently insufficient to determine the role of this variant in disease. Therefore, it has been classified as a Variant of Uncertain Significance. This variant is not present in population databases (ExAC no frequency). This sequence change replaces glutamine with arginine at codon 85 of the CCDC88A protein (p.Gln85Arg). The glutamine residue is moderately conserved and there is a small physicochemical difference between glutamine and arginine.

NM_001365480.1(CCDC88A):c.254A>G (p.Gln85Arg)

Gene: CCDC88A (coiled-coil and HOOK domain protein 88A; minus strand). Cytogenetic location: 2p16.1.
Variant type: single nucleotide variant.
Coding change: c.254A>G on transcript NM_001365480.1 (MANE Select); coding-DNA position 254, A replaced by G.
Protein change: p.Gln85Arg; replaces glutamine 85 with arginine.
Molecular consequence: missense variant.
Genome position (GRCh38, 1-based): chr2:55,388,797, T>C on the plus strand (A>G on the coding strand, the complement: CCDC88A is on the minus strand). VCF-style: chr2-55388797-T-C. GRCh37 (hg19) VCF-style: chr2-55615933-T-C.
Other names: c.254A>G, p.Gln85Arg (NM_001135597.2, NM_001254943.2, NM_018084.5); short protein forms Q85R.
Identifiers: ClinVar variation 1399831 (VCV001399831.8), dbSNP rs2104892718, ClinGen allele CA346904985.